The following is an entry in ClinVar:

NM_001458.5(FLNC):c.2228C>T (p.Ser743Phe)

Gene: FLNC (filamin C; plus strand). Cytogenetic location: 7q32.1.
Variant type: single nucleotide variant.
Coding change: c.2228C>T on transcript NM_001458.5 (MANE Select); coding-DNA position 2228, C replaced by T.
Protein change: p.Ser743Phe; replaces serine 743 with phenylalanine.
Molecular consequence: missense variant.
Genome position (GRCh38, 1-based): chr7:128,842,337, C>T. VCF-style: chr7-128842337-C-T. GRCh37 (hg19) VCF-style: chr7-128482391-C-T.
Other names: c.2228C>T, p.Ser743Phe (NM_001127487.2); short protein forms S743F.
Identifiers: ClinVar variation 2450911 (VCV002450911.5), dbSNP rs867544321, ClinGen allele CA166217815.
Genomic context (GRCh38, chr7:128,842,337, plus strand): 5'-ACGGCACCTTCCGCTGCTCCTACGTGCCCACCAAGCCCATTAAGCACACCATCATCATCT[C>T]CTGGGGAGGCGTAAACGTGCCCAAGAGCCCCTTCCGGGTGCGTCCTCCCGGCCTGCCCCG-3'
Protein context (NP_001449.3, residues 733-753): TKPIKHTIII[Ser743Phe]WGGVNVPKSP

ClinVar aggregate classification (germline): Uncertain significance. Review status: criteria provided, multiple submitters, no conflicts (2 of 4 stars). 2 submissions from 2 submitters: Uncertain significance (2). Last evaluated 2023-08-23.

Conditions:
Distal myopathy with posterior leg and anterior hand involvement. Also called: WILLIAMS DISTAL MYOPATHY. Identifiers: Orphanet 63273, MedGen C3279722, MONDO:0013550, OMIM 614065.
Hypertrophic cardiomyopathy 26. Also called: Cardiomyopathy, familial hypertrophic, 26. Identifiers: Orphanet 75249, MedGen C4310749, MONDO:0014883, OMIM 617047.
Myofibrillar myopathy 5. Also called: FILAMINOPATHY, AUTOSOMAL DOMINANT; Filaminopathy (type). Identifiers: Orphanet 171445, MedGen C1836050, MONDO:0012289, OMIM 609524.
Cardiovascular phenotype. Identifiers: MedGen CN230736.

Submissions (2):

Labcorp Genetics (formerly Invitae), Labcorp
Classification: Uncertain significance for Distal myopathy with posterior leg and anterior hand involvement; Myofibrillar myopathy 5; Hypertrophic cardiomyopathy 26. Last evaluated: 2023-08-23. Review status: criteria provided, single submitter. Criteria: Invitae Variant Classification Sherloc (09022015). Collection method: clinical testing. Allele origin: germline.
Comment: Advanced modeling of protein sequence and biophysical properties (such as structural, functional, and spatial information, amino acid conservation, physicochemical variation, residue mobility, and thermodynamic stability) has been performed at Invitae for this missense variant, however the output from this modeling did not meet the statistical confidence thresholds required to predict the impact of this variant on FLNC protein function. ClinVar contains an entry for this variant (Variation ID: 2450911). This variant has not been reported in the literature in individuals affected with FLNC-related conditions. This variant is not present in population databases (gnomAD no frequency). This sequence change replaces serine, which is neutral and polar, with phenylalanine, which is neutral and non-polar, at codon 743 of the FLNC protein (p.Ser743Phe). In summary, the available evidence is currently insufficient to determine the role of this variant in disease. Therefore, it has been classified as a Variant of Uncertain Significance.

Ambry Genetics
Classification: Uncertain significance for Cardiovascular phenotype. Last evaluated: 2023-02-28. Review status: criteria provided, single submitter. Criteria: Ambry Variant Classification Scheme 2023. Collection method: clinical testing. Allele origin: germline.
Comment: The p.S743F variant (also known as c.2228C>T), located in coding exon 14 of the FLNC gene, results from a C to T substitution at nucleotide position 2228. The serine at codon 743 is replaced by phenylalanine, an amino acid with highly dissimilar properties. This amino acid position is conserved. In addition, this alteration is predicted to be tolerated by in silico analysis. Since supporting evidence is limited at this time, the clinical significance of this alteration remains unclear.